The following is an entry in ClinVar:

ClinVar aggregate classification (germline): Uncertain significance (1 of 4 stars; one submission).

Submission:

GeneDx
Classification: Uncertain significance. Last evaluated: 2025-06-11. Review status: criteria provided, single submitter. Criteria: GeneDx Variant Classification Process June 2021. Collection method: clinical testing. Allele origin: germline. Affected: yes.
Comment: Not observed at significant frequency in large population cohorts (gnomAD); In silico analysis supports that this missense variant has a deleterious effect on protein structure/function; Has not been previously published as pathogenic or benign to our knowledge

NM_001127222.2(CACNA1A):c.187A>T (p.Asn63Tyr)

Gene: CACNA1A (calcium voltage-gated channel subunit alpha1 A; minus strand). Cytogenetic location: 19p13.13.
Variant type: single nucleotide variant.
Coding change: c.187A>T on transcript NM_001127222.2 (MANE Select); coding-DNA position 187, A replaced by T.
Protein change: p.Asn63Tyr; replaces asparagine 63 with tyrosine.
Molecular consequence: missense variant.
Genome position (GRCh38, 1-based): chr19:13,506,038, T>A on the plus strand (A>T on the coding strand, the complement: CACNA1A is on the minus strand). VCF-style: chr19-13506038-T-A. GRCh37 (hg19) VCF-style: chr19-13616852-T-A.
Other names: c.187A>T, p.Asn63Tyr (NM_001127221.2, NM_001174080.2, NM_023035.3 and 1 more transcripts); short protein forms N63Y.
Identifiers: ClinVar variation 4538122 (VCV004538122.1).
Genomic context (GRCh38, chr19:13,506,038, plus strand): 5'-CGCTGAAGAGGAAGAGAGACCGGTTAACCGTGAGGCAGTTCTGTCGGACGGGGATGGGGT[T>A]GTAGAGTGCCATGGTCCGCGCTCTCTGCGCCATTGACTGCTTGTACATCCTTTGCGCCCC-3'
Protein context (NP_001120694.1, residues 53-73): AQRARTMALY[Asn63Tyr]PIPVRQNCLT